The following is an entry in ClinVar:

ClinVar aggregate classification (germline): Pathogenic (1 of 4 stars; one submission).

Conditions:
Charcot-Marie-Tooth disease type 4. Also called: Charcot-Marie-Tooth disease, type IV; Charcot-Marie-Tooth, Type 4. Identifiers: Orphanet 64749, MedGen C4082197, MONDO:0018995.

Submission:

Labcorp Genetics (formerly Invitae), Labcorp
Classification: Pathogenic for Charcot-Marie-Tooth disease type 4. Last evaluated: 2018-12-21. Review status: criteria provided, single submitter. Criteria: Invitae Variant Classification Sherloc (09022015). Collection method: clinical testing. Allele origin: germline.
Comment: This sequence change creates a premature translational stop signal (p.Leu456*) in the SH3TC2 gene. It is expected to result in an absent or disrupted protein product. This variant is not present in population databases (ExAC no frequency). This variant has not been reported in the literature in individuals with SH3TC2-related conditions. Loss-of-function variants in SH3TC2 are known to be pathogenic (PMID: 20220177, 27068304). For these reasons, this variant has been classified as Pathogenic.

NM_024577.4(SH3TC2):c.1366del (p.Asp455_Leu456insTer)

Gene: SH3TC2 (SH3 domain and tetratricopeptide repeats 2; minus strand). Cytogenetic location: 5q32.
Variant type: Deletion.
Coding change: c.1366del on transcript NM_024577.4 (MANE Select); coding-DNA position 1366, one base deleted (C; older notation c.1366delC).
Protein change: p.Asp455_Leu456insTer.
Molecular consequence: nonsense.
Genome position (GRCh38, 1-based): chr5:149,028,366, G deleted on the plus strand (C on the coding strand, the reverse complement: SH3TC2 is on the minus strand); the first of 2 consecutive G bases (chr5:149,028,366-149,028,367); deleting either gives the same sequence. VCF-style (leftmost placement, unchanged base first): chr5-149028365-AG-A. GRCh37 (hg19) VCF-style: chr5-148407928-AG-A.
Identifiers: ClinVar variation 655644 (VCV000655644.1), dbSNP rs1580901363, ClinGen allele CA915942732.